The following is an entry in ClinVar:

ClinVar aggregate classification (germline): Uncertain significance (1 of 4 stars; one submission).

Conditions:
Peroxisome biogenesis disorder. Identifiers: Orphanet 79189, MedGen C1832200, MONDO:0019234. Disease mechanism: loss of function.

Allele frequency attached by ClinVar (database versions not stated): gnomAD exomes 0.00001.
gnomAD v4.1: 13 of 1,614,208 alleles (0.00081%); highest among the groups gnomAD compares: Non-Finnish European, 0.0011%; no homozygotes.

Submission:

Labcorp Genetics (formerly Invitae), Labcorp
Classification: Uncertain significance for Peroxisome biogenesis disorder. Last evaluated: 2024-08-05. Review status: criteria provided, single submitter. Criteria: Invitae Variant Classification Sherloc (09022015). Collection method: clinical testing. Allele origin: germline.
Comment: This sequence change replaces glycine, which is neutral and non-polar, with serine, which is neutral and polar, at codon 220 of the PEX6 protein (p.Gly220Ser). This variant is present in population databases (no rsID available, gnomAD 0.0009%). This variant has not been reported in the literature in individuals affected with PEX6-related conditions. ClinVar contains an entry for this variant (Variation ID: 1959695). Advanced modeling of protein sequence and biophysical properties (such as structural, functional, and spatial information, amino acid conservation, physicochemical variation, residue mobility, and thermodynamic stability) performed at Invitae indicates that this missense variant is not expected to disrupt PEX6 protein function with a negative predictive value of 80%. In summary, the available evidence is currently insufficient to determine the role of this variant in disease. Therefore, it has been classified as a Variant of Uncertain Significance.

NM_000287.4(PEX6):c.658G>A (p.Gly220Ser)

Gene: PEX6 (peroxisomal biogenesis factor 6; minus strand). Cytogenetic location: 6p21.1.
Variant type: single nucleotide variant.
Coding change: c.658G>A on transcript NM_000287.4 (MANE Select); coding-DNA position 658, G replaced by A.
Protein change: p.Gly220Ser; replaces glycine 220 with serine.
Molecular consequence: missense variant. On other transcripts: non-coding transcript variant (1), intron variant (1).
Genome position (GRCh38, 1-based): chr6:42,978,493, C>T on the plus strand (G>A on the coding strand, the complement: PEX6 is on the minus strand). VCF-style: chr6-42978493-C-T. GRCh37 (hg19) VCF-style: chr6-42946231-C-T.
Other names: c.618+40G>A (NM_001316313.2); short protein forms G220S.
Identifiers: ClinVar variation 1959695 (VCV001959695.4), dbSNP rs1171786418, ClinGen allele CA364162944.
Genomic context (GRCh38, chr6:42,978,493, plus strand): 5'-CCAAGTGCGGCTGTGAAGTGTTCGATGACTCTCTGGCCTGGGCCACCCACACCCATTCGC[C>T]CTGGAAGAGGCCAAGGCCACGGAGACAGCTCCGGCTCACCCCTAGTGAATCTCCAGTCCC-3'
Protein context (NP_000278.3, residues 210-230): SCLRGLGLFQ[Gly220Ser]EWVWVAQARE